The following is an entry in ClinVar:

ClinVar aggregate classification (germline): Uncertain significance. Review status: no assertion criteria provided (0 of 4 stars). 2 submissions from 1 submitter: Uncertain significance (1). 1 of the submissions does not count toward it.

Submissions (2):

Richard Lifton Laboratory, Yale University School of Medicine
Classification: Uncertain significance. Review status: no assertion criteria provided. Collection method: not provided. Allele origin: somatic.
Comment: MMACHC:p.E217*
ClinVar note: Converted during submission from unknown to Uncertain significance.

Richard Lifton Laboratory, Yale University School of Medicine
Classification: Uncertain significance. Review status: flagged submission. Collection method: not provided. Allele origin: somatic. Not counted in ClinVar's aggregate classification.
ClinVar note: Converted during submission from unknown to Uncertain significance.
ClinVar note: Reason: This record appears to be redundant with a more recent record from the same submitter.
ClinVar note: Notes: SCV000120088 appears to be redundant with SCV000155192.

NM_015506.3(MMACHC):c.649G>T (p.Glu217Ter)

Genes: MMACHC (metabolism of cobalamin associated C; plus strand), LOC129930446 (ATAC-STARR-seq lymphoblastoid active region 972; plus strand). Cytogenetic location: 1p34.1.
Variant type: single nucleotide variant.
Coding change: c.649G>T on transcript NM_015506.3 (MANE Select); coding-DNA position 649, G replaced by T.
Protein change: p.Glu217Ter; replaces glutamic acid 217 with a stop codon.
Molecular consequence: nonsense.
Genome position (GRCh38, 1-based): chr1:45,509,015, G>T. VCF-style: chr1-45509015-G-T. GRCh37 (hg19) VCF-style: chr1-45974687-G-T.
Other names: c.478G>T, p.Glu160Ter (NM_001330540.2); short protein forms E217*, E160*.
Identifiers: ClinVar variation 100863 (VCV000100863.2), dbSNP rs483352740, ClinGen allele CA229152.